The following is an entry in ClinVar:

ClinVar aggregate classification (germline): Uncertain significance (1 of 4 stars; one submission).

gnomAD v4.1: 8 of 1,613,028 alleles (0.0005%); highest among the groups gnomAD compares: South Asian, 0.0022%; no homozygotes.

Submission:

CeGaT Center for Human Genetics Tuebingen
Classification: Uncertain significance. Last evaluated: 2026-09-01. Review status: criteria provided, single submitter. Criteria: CeGaT Center For Human Genetics Tuebingen Variant Classification Criteria Version 2. Collection method: clinical testing. Allele origin: germline. Affected: yes. Observed: 1 variant allele.
Comment: KDM4B: PP2

NM_015015.3(KDM4B):c.982G>A (p.Glu328Lys)

Gene: KDM4B (lysine demethylase 4B; plus strand). Cytogenetic location: 19p13.3.
Variant type: single nucleotide variant.
Coding change: c.982G>A on transcript NM_015015.3 (MANE Select); coding-DNA position 982, G replaced by A.
Protein change: p.Glu328Lys; replaces glutamic acid 328 with lysine.
Molecular consequence: missense variant.
Genome position (GRCh38, 1-based): chr19:5,110,685, G>A. VCF-style: chr19-5110685-G-A. GRCh37 (hg19) VCF-style: chr19-5110696-G-A.
Other names: c.982G>A, p.Glu328Lys (NM_001370093.1, NM_001370094.1, NM_001411148.1); short protein forms E328K.
Identifiers: ClinVar variation 5041391 (VCV005041391.1).